The following is an entry in ClinVar:

ClinVar aggregate classification (germline): Uncertain significance (1 of 4 stars; one submission).

Conditions:
Hereditary cancer-predisposing syndrome. Also called: Tumor predisposition; Hereditary neoplastic syndrome; Neoplastic Syndromes, Hereditary; Hereditary Cancer Syndrome. Identifiers: Orphanet 140162, MedGen C0027672, MeSH D009386, MONDO:0015356.

gnomAD v4.1: 8 of 374,156 alleles (0.0021%); highest among the groups gnomAD compares: South Asian, 0.026%; no homozygotes.

Submission:

Ambry Genetics
Classification: Uncertain significance for Hereditary cancer-predisposing syndrome. Last evaluated: 2025-04-28. Review status: criteria provided, single submitter. Criteria: Ambry Variant Classification Scheme 2023. Collection method: clinical testing. Allele origin: germline.
Comment: The c.-3+4A>G intronic variant results from an A to G substitution 4 nucleotides after the first non-coding exon in the CTNNA1 gene. This nucleotide position is well conserved in available vertebrate species. In silico splice site analysis predicts that this alteration will not have any significant effect on splicing. Based on the available evidence, the clinical significance of this variant remains unclear.

NM_001903.5(CTNNA1):c.-3+4A>G

Genes: CTNNA1 (catenin alpha 1; plus strand), CTNNA1-AS1 (CTNNA1 antisense RNA 1; minus strand). Cytogenetic location: 5q31.2.
Variant type: single nucleotide variant.
Coding change: c.-3+4A>G on transcript NM_001903.5 (MANE Select); 4 bases into the intron after 3 bases upstream of the start codon, A replaced by G.
Molecular consequence: intron variant.
Genome position (GRCh38, 1-based): chr5:138,753,514, A>G. VCF-style: chr5-138753514-A-G. GRCh37 (hg19) VCF-style: chr5-138089203-A-G.
Other names: c.-473+4A>G (NM_001323982.2); c.-21+4A>G (NM_001323984.2); c.-3+4A>G (NM_001290307.3, NM_001323985.2, NM_001323986.2); c.-209+4A>G (NM_001290310.3); c.-116+4A>G (NM_001290309.3).
Identifiers: ClinVar variation 4007974 (VCV004007974.1).